The following is an entry in ClinVar:

ClinVar aggregate classification (germline): Conflicting classifications of pathogenicity. Review status: criteria provided, conflicting classifications (1 of 4 stars). 9 submissions from 9 submitters: Uncertain significance (4); Likely benign (2). 3 of the submissions do not count toward it. Last evaluated 2026-01-16.

Conditions:
EYS-related disorder. Also called: EYS-related condition.
Retinitis pigmentosa (RP). Identifiers: Orphanet 791, MedGen C0035334, MeSH D012174, MONDO:0019200, OMIM 268000. Inheritance: Autosomal dominant, autosomal recessive and X linked inheritance.
Stargardt disease (FFM). Also called: Stargardt's disease; Fundus flavimaculatus. Identifiers: Orphanet 827, MedGen C0271093, MONDO:0019353.
Retinitis pigmentosa 25 (RP25). Identifiers: Orphanet 791, MedGen C1864446, MONDO:0011272, OMIM 602772.

Allele frequency attached by ClinVar (database versions not stated): 1000 Genomes Project 0.00020; 1000 Genomes Project 30x 0.00031; TOPMed 0.00048; gnomAD exomes 0.00050; gnomAD 0.00059 and 0.00061; ExAC 0.00060; ESP Exome Variant Server 0.00062.
gnomAD v4.1: 1,192 of 1,612,322 alleles (0.074%); highest among the groups gnomAD compares: Non-Finnish European, 0.095%; 1 homozygote.

Submissions (9):

Women's Health and Genetics/Laboratory Corporation of America, LabCorp
Classification: Uncertain significance. Last evaluated: 2026-01-16. Review status: criteria provided, single submitter. Criteria: LabCorp Variant Classification Summary - May 2015. Collection method: clinical testing. Allele origin: germline.
Comment: Variant summary: EYS c.1459+5C>T alters a nucleotide located close to a canonical splice site and therefore could affect mRNA splicing, leading to a significantly altered protein sequence. Consensus agreement among computation tools predict no significant impact on normal splicing. However, these predictions have yet to be confirmed by functional studies. The variant allele was found at a frequency of 0.0005 in 250482 control chromosomes. This frequency is not significantly higher than estimated for disease-causing variants in EYS, allowing no conclusion about variant significance. c.1459+5C>T has been reported in the literature in settings of multigene panel testing among individuals affected with Sporadic Retinitis Pigmentosa (examples: Glockle_2014, Weisschuh_2020). These report(s) do not provide unequivocal conclusions about association of the variant with Retinitis Pigmentosa. To our knowledge, no experimental evidence demonstrating an impact on protein function has been reported. The following publications have been ascertained in the context of this evaluation (PMID: 23591405, 32531858). ClinVar contains an entry for this variant (Variation ID: 551928). Based on the evidence outlined above, the variant was classified as uncertain significance.

PreventionGenetics, part of Exact Sciences
Classification: Likely benign for EYS-related condition. Last evaluated: 2024-11-19. Review status: criteria provided, single submitter. Criteria: ACMG Guidelines, 2015. Collection method: clinical testing. Allele origin: germline.
Comment: This variant is classified as likely benign based on ACMG/AMP sequence variant interpretation guidelines (Richards et al. 2015 PMID: 25741868, with internal and published modifications).

Blueprint Genetics
Classification: Likely benign. Last evaluated: 2024-11-07. Review status: criteria provided, single submitter. Criteria: ACMG Guidelines, 2015. Collection method: clinical testing. Allele origin: germline.

Labcorp Genetics (formerly Invitae), Labcorp
Classification: Uncertain significance. Last evaluated: 2022-11-01. Review status: criteria provided, single submitter. Criteria: Invitae Variant Classification Sherloc (09022015). Collection method: clinical testing. Allele origin: germline.
Comment: This sequence change falls in intron 9 of the EYS gene. It does not directly change the encoded amino acid sequence of the EYS protein. It affects a nucleotide within the consensus splice site. This variant is present in population databases (rs200387978, gnomAD 0.1%), and has an allele count higher than expected for a pathogenic variant. This variant has been observed in individual(s) with retinitis pigmentosa (PMID: 23591405). ClinVar contains an entry for this variant (Variation ID: 551928). Variants that disrupt the consensus splice site are a relatively common cause of aberrant splicing (PMID: 17576681, 9536098). Algorithms developed to predict the effect of sequence changes on RNA splicing suggest that this variant is not likely to affect RNA splicing. In summary, the available evidence is currently insufficient to determine the role of this variant in disease. Therefore, it has been classified as a Variant of Uncertain Significance.

CeGaT Center for Human Genetics Tuebingen
Classification: Uncertain significance. Last evaluated: 2018-08-01. Review status: criteria provided, single submitter. Criteria: CeGaT Center For Human Genetics Tuebingen Variant Classification Criteria Version 2. Collection method: clinical testing. Allele origin: germline. Affected: yes. Observed: 1 variant allele.

Illumina Laboratory Services, Illumina
Classification: Uncertain significance for Retinitis pigmentosa. Last evaluated: 2018-01-12. Review status: criteria provided, single submitter. Criteria: ICSL Variant Classification Criteria 13 December 2019. Collection method: clinical testing. Allele origin: germline.

Natera, Inc.
Classification: Uncertain significance for Retinitis pigmentosa. Last evaluated: 2020-09-16. Review status: no assertion criteria provided. Collection method: clinical testing. Allele origin: germline. Not counted in ClinVar's aggregate classification.

Department of Clinical Genetics, Copenhagen University Hospital, Rigshospitalet
Classification: Likely pathogenic for Stargardt disease. Last evaluated: 2018-04-01. Review status: no assertion criteria provided. Collection method: research. Allele origin: unknown. Affected: yes. Study: VeluxRD. Not counted in ClinVar's aggregate classification.

Counsyl
Classification: Uncertain significance for Retinitis pigmentosa 25. Last evaluated: 2017-05-17. Review status: no assertion criteria provided. Collection method: clinical testing. Allele origin: unknown. Not counted in ClinVar's aggregate classification.

Literature cited by the submitters: PubMed 23591405 (cited by 3 submitters); PubMed 32531858 (cited by Women's Health and Genetics/Laboratory Corporation of America, LabCorp); PubMed 17576681 (cited by Labcorp Genetics (formerly Invitae), Labcorp); PubMed 9536098 (cited by Labcorp Genetics (formerly Invitae), Labcorp); PubMed 30718709 (cited by Department of Clinical Genetics, Copenhagen University Hospital, Rigshospitalet); PubMed 25133751 (cited by Counsyl).

NM_001142800.2(EYS):c.1459+5C>T

Gene: EYS (EGF-like photoreceptor maintenance factor; minus strand). Cytogenetic location: 6q12.
Variant type: single nucleotide variant.
Coding change: c.1459+5C>T on transcript NM_001142800.2 (MANE Select); 5 bases into the intron after coding-DNA position 1459, C replaced by T.
Molecular consequence: intron variant.
Genome position (GRCh38, 1-based): chr6:65,353,453, G>A on the plus strand (C>T on the coding strand, the complement: EYS is on the minus strand). VCF-style: chr6-65353453-G-A. GRCh37 (hg19) VCF-style: chr6-66063346-G-A.
Other names: c.1459+5C>T (NM_001292009.2, NM_001142801.2, NM_198283.2).
Identifiers: ClinVar variation 551928 (VCV000551928.59), dbSNP rs200387978, ClinGen allele CA3877755.